The following is an entry in ClinVar:

NM_020207.7(ERCC6L2):c.62G>A (p.Gly21Glu)

Gene: ERCC6L2 (ERCC excision repair 6 like 2; plus strand). Cytogenetic location: 9q22.32.
Variant type: single nucleotide variant.
Coding change: c.62G>A on transcript NM_020207.7 (MANE Select); coding-DNA position 62, G replaced by A.
Protein change: p.Gly21Glu; replaces glycine 21 with glutamic acid.
Molecular consequence: missense variant. On other transcripts: non-coding transcript variant (1).
Genome position (GRCh38, 1-based): chr9:95,880,884, G>A. VCF-style: chr9-95880884-G-A. GRCh37 (hg19) VCF-style: chr9-98643166-G-A.
Other names: c.62G>A, p.Gly21Glu (NM_001010895.4, NM_001375291.1, NM_001375292.1 and 2 more transcripts); short protein forms G21E.
Identifiers: ClinVar variation 3845968 (VCV003845968.1).
Genomic context (GRCh38, chr9:95,880,884, plus strand): 5'-CTTTATAAGCTAGCTTTGGAAACTTTATTTTCTTTATTCTTGCAGACATATGGCATCCAG[G>A]AGAAAGATGTCTTGCCCCTTCTCCAGATAATGGAAAACTTTGTGAAGCAAGCATAAAATC-3'
Protein context (NP_064592.3, residues 11-31): ETSGKDIWHP[Gly21Glu]ERCLAPSPDN

ClinVar aggregate classification (germline): Uncertain significance (1 of 4 stars; one submission).

Conditions:
Inborn genetic diseases. Identifiers: MedGen C0950123, MeSH D030342.

Submission:

Ambry Genetics
Classification: Uncertain significance for Inborn genetic diseases. Last evaluated: 2025-02-28. Review status: criteria provided, single submitter. Criteria: Ambry Variant Classification Scheme 2023. Collection method: clinical testing. Allele origin: germline.
Comment: The p.G21E variant (also known as c.62G>A), located in coding exon 2 of the ERCC6L2 gene, results from a G to A substitution at nucleotide position 62. The glycine at codon 21 is replaced by glutamic acid, an amino acid with similar properties. This amino acid position is conserved. In addition, the in silico prediction for this alteration is inconclusive. Based on the available evidence, the clinical significance of this variant remains unclear.